The following is an entry in ClinVar:

NM_001013838.3(CARMIL2):c.3120+1G>A

Gene: CARMIL2 (capping protein regulator and myosin 1 linker 2; plus strand). Cytogenetic location: 16q22.1.
Variant type: single nucleotide variant.
Coding change: c.3120+1G>A on transcript NM_001013838.3 (MANE Select); the canonical splice donor site of the intron after coding-DNA position 3120, G replaced by A.
Molecular consequence: splice donor variant.
Genome position (GRCh38, 1-based): chr16:67,653,255, G>A. VCF-style: chr16-67653255-G-A. GRCh37 (hg19) VCF-style: chr16-67687158-G-A.
Other names: c.3012+1G>A (NM_001438835.1, NM_001438244.1, NM_001317026.3).
Identifiers: ClinVar variation 4530587 (VCV004530587.1).

ClinVar aggregate classification (germline): Pathogenic (1 of 4 stars; one submission).

Conditions:
Severe combined immunodeficiency due to CARMIL2 deficiency. Also called: IMMUNODEFICIENCY 58. Identifiers: Orphanet 542301, MedGen C4748304, MONDO:0029134, OMIM 618131.

Submission:

Institute of Human Genetics, University of Leipzig Medical Center
Classification: Pathogenic for Severe combined immunodeficiency due to CARMIL2 deficiency. Last evaluated: 2025-10-09. Review status: criteria provided, single submitter. Criteria: ACMG Guidelines, 2015. Collection method: clinical testing. Allele origin: paternal. Inheritance: Autosomal recessive inheritance. Affected: yes.
Comment: Criteria applied: PM2,PVS1